The following is an entry in ClinVar:

NM_000484.4(APP):c.1649A>G (p.Asn550Ser)

Gene: APP (amyloid beta precursor protein; minus strand). Cytogenetic location: 21q21.3.
Variant type: single nucleotide variant.
Coding change: c.1649A>G on transcript NM_000484.4 (MANE Select); coding-DNA position 1649, A replaced by G.
Protein change: p.Asn550Ser; replaces asparagine 550 with serine.
Molecular consequence: missense variant.
Genome position (GRCh38, 1-based): chr21:25,954,628, T>C on the plus strand (A>G on the coding strand, the complement: APP is on the minus strand). VCF-style: chr21-25954628-T-C. GRCh37 (hg19) VCF-style: chr21-27326942-T-C.
Other names: c.1577A>G, p.Asn526Ser (NM_001136016.3); c.1256A>G, p.Asn419Ser (NM_001136129.3); c.1481A>G, p.Asn494Ser (NM_001136130.3, NM_001385253.1); c.1319A>G, p.Asn440Ser (NM_001136131.3); c.1649A>G, p.Asn550Ser (NM_001204301.2); c.1592A>G, p.Asn531Ser (NM_001204302.2, NM_201413.3); c.1424A>G, p.Asn475Ser (NM_001204303.2, NM_201414.3); short protein forms N419S, N440S, N526S, N550S, N475S, N531S, N494S.
Identifiers: ClinVar variation 2192814 (VCV002192814.4), dbSNP rs2041232726, ClinGen allele CA409810028.

ClinVar aggregate classification (germline): Uncertain significance (1 of 4 stars; one submission).

Conditions:
Alzheimer disease. Also called: Presenile and senile dementia; Alzheimer's disease. Identifiers: Orphanet 1020, MedGen C0002395, MeSH D000544, MONDO:0004975, HP:0002511.

Allele frequency attached by ClinVar (database versions not stated): gnomAD exomes 0.00001.
gnomAD v4.1: 11 of 1,614,106 alleles (0.00068%); highest among the groups gnomAD compares: East Asian, 0.0022%; no homozygotes.

Submission:

Labcorp Genetics (formerly Invitae), Labcorp
Classification: Uncertain significance for Alzheimer disease. Last evaluated: 2021-12-29. Review status: criteria provided, single submitter. Criteria: Invitae Variant Classification Sherloc (09022015). Collection method: clinical testing. Allele origin: germline.
Comment: In summary, the available evidence is currently insufficient to determine the role of this variant in disease. Therefore, it has been classified as a Variant of Uncertain Significance. Algorithms developed to predict the effect of sequence changes on RNA splicing suggest that this variant may create or strengthen a splice site. Algorithms developed to predict the effect of missense changes on protein structure and function (SIFT, PolyPhen-2, Align-GVGD) all suggest that this variant is likely to be tolerated. This variant has not been reported in the literature in individuals affected with APP-related conditions. This variant is not present in population databases (gnomAD no frequency). This sequence change replaces asparagine, which is neutral and polar, with serine, which is neutral and polar, at codon 550 of the APP protein (p.Asn550Ser).